The following is an entry in ClinVar:

NM_005026.5(PIK3CD):c.1550G>T (p.Arg517Leu)

Gene: PIK3CD (phosphatidylinositol-4,5-bisphosphate 3-kinase catalytic subunit delta; plus strand). Cytogenetic location: 1p36.22.
Variant type: single nucleotide variant.
Coding change: c.1550G>T on transcript NM_005026.5 (MANE Select); coding-DNA position 1550, G replaced by T.
Protein change: p.Arg517Leu; replaces arginine 517 with leucine.
Molecular consequence: missense variant.
Genome position (GRCh38, 1-based): chr1:9,720,770, G>T. VCF-style: chr1-9720770-G-T. GRCh37 (hg19) VCF-style: chr1-9780828-G-T.
Other names: c.1547G>T, p.Arg516Leu (NM_001350234.2, NM_001439206.1); c.1463G>T, p.Arg488Leu (NM_001350235.1); c.1550G>T, p.Arg517Leu (NM_001437546.1, NM_001437547.1, NM_001438338.1); short protein forms R488L, R516L, R517L.
Identifiers: ClinVar variation 4822292 (VCV004822292.4).

ClinVar aggregate classification (germline): Uncertain significance (1 of 4 stars; one submission).

Submission:

CeGaT Center for Human Genetics Tuebingen
Classification: Uncertain significance. Last evaluated: 2023-12-01. Review status: criteria provided, single submitter. Criteria: CeGaT Center For Human Genetics Tuebingen Variant Classification Criteria Version 2. Collection method: clinical testing. Allele origin: germline. Affected: yes. Observed: 1 variant allele.
Comment: PIK3CD: PM2, PP2